The following is an entry in ClinVar:

ClinVar aggregate classification (germline): Uncertain significance (1 of 4 stars; one submission).

Conditions:
Evans syndrome, immunodeficiency, and premature immunosenescence associated with tripeptidyl-peptidase II deficiency. Identifiers: MedGen CN231723. Disease mechanism: loss of function.

Submission:

Labcorp Genetics (formerly Invitae), Labcorp
Classification: Uncertain significance for Evans syndrome, immunodeficiency, and premature immunosenescence associated with tripeptidyl-peptidase II deficiency. Last evaluated: 2024-08-31. Review status: criteria provided, single submitter. Criteria: Invitae Variant Classification Sherloc (09022015). Collection method: clinical testing. Allele origin: germline.
Comment: This variant, c.3064_3066dup, results in the insertion of 1 amino acid(s) of the TPP2 protein (p.Thr1022dup), but otherwise preserves the integrity of the reading frame. This variant is present in population databases (no rsID available, gnomAD 0.002%). This variant has not been reported in the literature in individuals affected with TPP2-related conditions. ClinVar contains an entry for this variant (Variation ID: 654300). Experimental studies and prediction algorithms are not available or were not evaluated, and the functional significance of this variant is currently unknown. In summary, the available evidence is currently insufficient to determine the role of this variant in disease. Therefore, it has been classified as a Variant of Uncertain Significance.

NM_001330588.2(TPP2):c.3103_3105dup (p.Thr1035dup)

Gene: TPP2 (tripeptidyl peptidase 2; plus strand). Cytogenetic location: 13q33.1.
Variant type: Duplication.
Coding change: c.3103_3105dup on transcript NM_001330588.2 (MANE Select); coding-DNA positions 3103 to 3105, 3 bases duplicated (ACT; older notation c.3103_3105dupACT).
Protein change: p.Thr1035dup; duplicates threonine 1035.
Molecular consequence: inframe insertion. On other transcripts: non-coding transcript variant (1).
Genome position (GRCh38, 1-based): chr13:102,657,167-102,657,169, ACT duplicated; duplicating any 3 consecutive bases within chr13:102,657,166-102,657,169 gives the same sequence; the c. name uses the placement nearest the transcript's 3' end. VCF-style (leftmost placement, unchanged base first): chr13-102657165-T-TTAC. GRCh37 (hg19) VCF-style: chr13-103309515-T-TTAC.
Other names: c.3103_3105dup, p.Thr1035dup (LRG_1341t1); c.3064_3066dup, p.Thr1022dup (NM_001367947.1, NM_003291.4).
Identifiers: ClinVar variation 654300 (VCV000654300.7), dbSNP rs1380285103, ClinGen allele CA612073717.